The following is an entry in ClinVar:

ClinVar aggregate classification (germline): Uncertain significance (1 of 4 stars; one submission).

Submission:

GeneDx
Classification: Uncertain significance. Last evaluated: 2020-10-12. Review status: criteria provided, single submitter. Criteria: GeneDx Variant Classification Process June 2021. Collection method: clinical testing. Allele origin: germline. Affected: yes.
Comment: Not observed in large population cohorts (Lek et al., 2016); Missense variants in this gene are often considered pathogenic (Stenson et al., 2014); In silico analysis supports that this missense variant does not alter protein structure/function; Has not been previously published as pathogenic or benign to our knowledge

NM_003334.4(UBA1):c.1028A>G (p.His343Arg)

Gene: UBA1 (ubiquitin like modifier activating enzyme 1; plus strand). Cytogenetic location: Xp11.3.
Variant type: single nucleotide variant.
Coding change: c.1028A>G on transcript NM_003334.4 (MANE Select); coding-DNA position 1028, A replaced by G.
Protein change: p.His343Arg; replaces histidine 343 with arginine.
Molecular consequence: missense variant.
Genome position (GRCh38, 1-based): chrX:47,202,476, A>G. VCF-style: chrX-47202476-A-G. GRCh37 (hg19) VCF-style: chrX-47061875-A-G.
Other names: c.1028A>G, p.His343Arg (NM_153280.3); short protein forms H343R.
Identifiers: ClinVar variation 1316141 (VCV001316141.2), dbSNP rs2147259899, ClinGen allele CA412795528.